The following is an entry in ClinVar:

ClinVar aggregate classification (germline): Uncertain significance (1 of 4 stars; one submission).

Allele frequency attached by ClinVar (database versions not stated): gnomAD exomes below 0.00001 and 0.00001.
gnomAD v4.1: 3 of 1,614,084 alleles (0.00019%); highest among the groups gnomAD compares: East Asian, 0.0022%; no homozygotes.

Submission:

Labcorp Genetics (formerly Invitae), Labcorp
Classification: Uncertain significance. Last evaluated: 2024-05-23. Review status: criteria provided, single submitter. Criteria: Invitae Variant Classification Sherloc (09022015). Collection method: clinical testing. Allele origin: germline.
Comment: This sequence change replaces glycine, which is neutral and non-polar, with serine, which is neutral and polar, at codon 813 of the EMC1 protein (p.Gly813Ser). This variant is present in population databases (no rsID available, gnomAD 0.006%). This variant has not been reported in the literature in individuals affected with EMC1-related conditions. ClinVar contains an entry for this variant (Variation ID: 1384333). Advanced modeling of protein sequence and biophysical properties (such as structural, functional, and spatial information, amino acid conservation, physicochemical variation, residue mobility, and thermodynamic stability) performed at Invitae indicates that this missense variant is not expected to disrupt EMC1 protein function with a negative predictive value of 80%. In summary, the available evidence is currently insufficient to determine the role of this variant in disease. Therefore, it has been classified as a Variant of Uncertain Significance.

NM_015047.3(EMC1):c.2437G>A (p.Gly813Ser)

Genes: EMC1-AS1 (EMC1 antisense RNA 1; plus strand), EMC1 (ER membrane protein complex subunit 1; minus strand). Cytogenetic location: 1p36.13.
Variant type: single nucleotide variant.
Coding change: c.2437G>A on transcript NM_015047.3 (MANE Select); coding-DNA position 2437, G replaced by A.
Protein change: p.Gly813Ser; replaces glycine 813 with serine.
Molecular consequence: missense variant.
Genome position (GRCh38, 1-based): chr1:19,222,774, C>T on the plus strand (G>A on the coding strand, the complement: EMC1 is on the minus strand). VCF-style: chr1-19222774-C-T. GRCh37 (hg19) VCF-style: chr1-19549268-C-T.
Other names: c.2434G>A, p.Gly812Ser (NM_001271427.2, NM_001271428.2); c.2371G>A, p.Gly791Ser (NM_001271429.2); c.2446G>A, p.Gly816Ser (NM_001375820.1); c.2443G>A, p.Gly815Ser (NM_001375821.1); short protein forms G813S, G816S, G791S, G812S, G815S.
Identifiers: ClinVar variation 1384333 (VCV001384333.6), dbSNP rs1285872399, ClinGen allele CA338754485.